The following is an entry in ClinVar:

ClinVar aggregate classification (germline): Uncertain significance (1 of 4 stars; one submission).

Conditions:
Cutis laxa, autosomal recessive, type 1B (ARCL1B). Also called: EFEMP2-Related Cutis Laxa; CUTIS LAXA, AUTOSOMAL RECESSIVE, TYPE IB. Identifiers: Orphanet 90349, MedGen C3280798, MONDO:0013754, OMIM 614437. Disease mechanism: loss of function.

Allele frequency attached by ClinVar (database versions not stated): gnomAD exomes 0.00001.
gnomAD v4.1: 3 of 1,551,530 alleles (0.00019%); highest among the groups gnomAD compares: Non-Finnish European, 0.00026%; no homozygotes.

Submission:

Labcorp Genetics (formerly Invitae), Labcorp
Classification: Uncertain significance for Cutis laxa, autosomal recessive, type 1B. Last evaluated: 2019-01-26. Review status: criteria provided, single submitter. Criteria: Invitae Variant Classification Sherloc (09022015). Collection method: clinical testing. Allele origin: germline.
Comment: In summary, the available evidence is currently insufficient to determine the role of this variant in disease. Therefore, it has been classified as a Variant of Uncertain Significance. Algorithms developed to predict the effect of missense changes on protein structure and function are either unavailable or do not agree on the potential impact of this missense change (SIFT: "Deleterious"; PolyPhen-2: "Benign"; Align-GVGD: "Class C0"). This variant has not been reported in the literature in individuals with EFEMP2-related conditions. This variant is not present in population databases (ExAC no frequency). This sequence change replaces cysteine with glycine at codon 7 of the EFEMP2 protein (p.Cys7Gly). The cysteine residue is highly conserved and there is a large physicochemical difference between cysteine and glycine.

NM_016938.5(EFEMP2):c.19T>G (p.Cys7Gly)

Gene: EFEMP2 (EGF-like fibulin extracellular matrix protein 2; minus strand). Cytogenetic location: 11q13.1.
Variant type: single nucleotide variant.
Coding change: c.19T>G on transcript NM_016938.5 (MANE Select); coding-DNA position 19, T replaced by G.
Protein change: p.Cys7Gly; replaces cysteine 7 with glycine.
Molecular consequence: missense variant. On other transcripts: non-coding transcript variant (1).
Genome position (GRCh38, 1-based): chr11:65,872,336, A>C on the plus strand (T>G on the coding strand, the complement: EFEMP2 is on the minus strand). VCF-style: chr11-65872336-A-C. GRCh37 (hg19) VCF-style: chr11-65639807-A-C.
Other names: short protein forms C7G.
Identifiers: ClinVar variation 854782 (VCV000854782.7), dbSNP rs1344778966, ClinGen allele CA381311701.